The following is an entry in ClinVar:

ClinVar aggregate classification (germline): Uncertain significance (1 of 4 stars; one submission).

Conditions:
Leigh syndrome (NULS). Also called: Leigh's necrotizing encephalopathy; Leigh's disease; Leigh Syndrome (mtDNA deletion); Leigh Disease; Subacute necrotizing encephalopathy; Necrotizing encephalopathy infantile subacute of Leigh. Identifiers: Orphanet 506, MedGen C2931891, MONDO:0009723, OMIM 256000.

Submission:

Wong Mito Lab, Molecular and Human Genetics, Baylor College of Medicine
Classification: Uncertain significance for Leigh syndrome. Last evaluated: 2019-10-17. Review status: criteria provided, single submitter. Criteria: Modified ACMG Guidelines (Unpublished). Collection method: clinical testing. Allele origin: germline.
Comment: The NC_012920.1:m.8568C>A (YP_003024031.1:p.Ile14Met) variant in MTATP6 gene (also (YP_003024030.1:p.Ser68Tyr) variant in MTATP8 gene) is interpretated to be a Uncertain Significance variant based on the modified ACMG guidelines (unpublished). This variant meets the following evidence codes: PP4

Literature cited by the submitters: PubMed 18682780.

NC_012920.1(MT-ATP8):m.8568C>A

Genes: MT-ATP8 (mitochondrially encoded ATP synthase 8; plus strand), MT-ATP6 (mitochondrially encoded ATP synthase 6; plus strand).
Variant type: single nucleotide variant.
Genome position: chrM-8568-C-A.
Identifiers: ClinVar variation 692906 (VCV000692906.1), dbSNP rs1603221589, ClinGen allele CA414796741.
Genomic context (GRCh38, chrMT:8,568, plus strand): 5'-ACAAACCCTGAGAACCAAAATGAACGAAAATCTGTTCGCTTCATTCATTGCCCCCACAAT[C>A]CTAGGCCTACCCGCCGCAGTACTGATCATTCTATTTCCCCCTCTATTGATCCCCACCTCC-3'